The following is an entry in ClinVar:

NM_018060.4(IARS2):c.2014G>A (p.Val672Ile)

Gene: IARS2 (isoleucyl-tRNA synthetase 2, mitochondrial; plus strand). Cytogenetic location: 1q41.
Variant type: single nucleotide variant.
Coding change: c.2014G>A on transcript NM_018060.4 (MANE Select); coding-DNA position 2014, G replaced by A.
Protein change: p.Val672Ile; replaces valine 672 with isoleucine.
Molecular consequence: missense variant.
Genome position (GRCh38, 1-based): chr1:220,136,876, G>A. VCF-style: chr1-220136876-G-A. GRCh37 (hg19) VCF-style: chr1-220310218-G-A.
Other names: p.Val672Ile; short protein forms V672I.
Identifiers: ClinVar variation 1348889 (VCV001348889.7), dbSNP rs368264345, ClinGen allele CA1401650.
Genomic context (GRCh38, chr1:220,136,876, plus strand): 5'-ATTGTTCATGGATTTACCCTTGGAGAAAAGGGAGAAAAGATGTCCAAGTCTCTTGGGAAT[G>A]TCATTCATCCTGATGTTGTCGTTAATGGAGGACAAGTAGGTGATTCTCTAAAATGTATTT-3'
Protein context (NP_060530.3, residues 662-682): GEKMSKSLGN[Val672Ile]IHPDVVVNGG

ClinVar aggregate classification (germline): Uncertain significance. Review status: criteria provided, multiple submitters, no conflicts (2 of 4 stars). 4 submissions from 4 submitters: Uncertain significance (4). Last evaluated 2024-03-19.

Conditions:
Inborn genetic diseases. Identifiers: MedGen C0950123, MeSH D030342.

Allele frequency attached by ClinVar (database versions not stated): gnomAD exomes 0.00001; ExAC 0.00002; gnomAD 0.00013; TOPMed 0.00013; ESP Exome Variant Server 0.00015.
gnomAD v4.1: 33 of 1,611,256 alleles (0.002%); highest among the groups gnomAD compares: African/African-American, 0.032%; no homozygotes.

Submissions (4):

Mayo Clinic Laboratories, Mayo Clinic
Classification: Uncertain significance. Last evaluated: 2024-03-19. Review status: criteria provided, single submitter. Criteria: ACMG Guidelines, 2015. Collection method: clinical testing. Allele origin: germline. Observed: 1 variant allele.
Comment: BP4

Ambry Genetics
Classification: Uncertain significance for Inborn genetic diseases. Last evaluated: 2023-12-30. Review status: criteria provided, single submitter. Criteria: Ambry Variant Classification Scheme 2023. Collection method: clinical testing. Allele origin: germline.

Labcorp Genetics (formerly Invitae), Labcorp
Classification: Uncertain significance. Last evaluated: 2022-08-03. Review status: criteria provided, single submitter. Criteria: Invitae Variant Classification Sherloc (09022015). Collection method: clinical testing. Allele origin: germline.
Comment: This sequence change replaces valine, which is neutral and non-polar, with isoleucine, which is neutral and non-polar, at codon 672 of the IARS2 protein (p.Val672Ile). This variant is present in population databases (rs368264345, gnomAD 0.02%). This variant has not been reported in the literature in individuals affected with IARS2-related conditions. ClinVar contains an entry for this variant (Variation ID: 1348889). Algorithms developed to predict the effect of missense changes on protein structure and function (SIFT, PolyPhen-2, Align-GVGD) all suggest that this variant is likely to be tolerated. In summary, the available evidence is currently insufficient to determine the role of this variant in disease. Therefore, it has been classified as a Variant of Uncertain Significance.

GeneDx
Classification: Uncertain significance. Last evaluated: 2022-06-08. Review status: criteria provided, single submitter. Criteria: GeneDx Variant Classification Process June 2021. Collection method: clinical testing. Allele origin: germline. Affected: yes.
Comment: In silico analysis supports that this missense variant does not alter protein structure/function; Has not been previously published as pathogenic or benign to our knowledge